The following is an entry in ClinVar:

NM_004407.4(DMP1):c.518G>A (p.Arg173Gln)

Genes: DMP1 (dentin matrix acidic phosphoprotein 1; plus strand), DMP1-AS1 (DMP1 and DSPP antisense RNA 1; minus strand). Cytogenetic location: 4q22.1.
Variant type: single nucleotide variant.
Coding change: c.518G>A on transcript NM_004407.4 (MANE Select); coding-DNA position 518, G replaced by A.
Protein change: p.Arg173Gln; replaces arginine 173 with glutamine.
Molecular consequence: missense variant.
Genome position (GRCh38, 1-based): chr4:87,662,296, G>A. VCF-style: chr4-87662296-G-A. GRCh37 (hg19) VCF-style: chr4-88583448-G-A.
Other names: c.470G>A, p.Arg157Gln (NM_001079911.3); short protein forms R173Q, R157Q.
Identifiers: ClinVar variation 2166219 (VCV002166219.1), dbSNP rs747698893, ClinGen allele CA3002048.
Genomic context (GRCh38, chr4:87,662,296, plus strand): 5'-AAGGGCAAGACAGTGCCCAAGATACCACCAGTGAGAGCAGGGAACTTGACAATGAGGACC[G>A]GGTGGACAGCAAGCCTGAGGGAGGTGACTCCACTCAAGAGAGTGAGAGTGAAGAGCACTG-3'
Protein context (NP_004398.1, residues 163-183): SESRELDNED[Arg173Gln]VDSKPEGGDS

ClinVar aggregate classification (germline): Uncertain significance (1 of 4 stars; one submission).

Allele frequency attached by ClinVar (database versions not stated): TOPMed 0.00001; ExAC 0.00003; gnomAD 0.00004.
gnomAD v4.1: 42 of 1,613,932 alleles (0.0026%); highest among the groups gnomAD compares: East Asian, 0.013%; no homozygotes.

Submission:

Labcorp Genetics (formerly Invitae), Labcorp
Classification: Uncertain significance. Last evaluated: 2022-03-04. Review status: criteria provided, single submitter. Criteria: Invitae Variant Classification Sherloc (09022015). Collection method: clinical testing. Allele origin: germline.
Comment: This sequence change replaces arginine, which is basic and polar, with glutamine, which is neutral and polar, at codon 173 of the DMP1 protein (p.Arg173Gln). This variant is present in population databases (rs747698893, gnomAD 0.01%). This variant has not been reported in the literature in individuals affected with DMP1-related conditions. Algorithms developed to predict the effect of missense changes on protein structure and function output the following: SIFT: "Tolerated"; PolyPhen-2: "Benign"; Align-GVGD: "Class C0". The glutamine amino acid residue is found in multiple mammalian species, which suggests that this missense change does not adversely affect protein function. In summary, the available evidence is currently insufficient to determine the role of this variant in disease. Therefore, it has been classified as a Variant of Uncertain Significance.